The following is an entry in ClinVar:

NM_002292.4(LAMB2):c.103C>T (p.Pro35Ser)

Gene: LAMB2 (laminin subunit beta 2; minus strand). Cytogenetic location: 3p21.31.
Variant type: single nucleotide variant.
Coding change: c.103C>T on transcript NM_002292.4 (MANE Select); coding-DNA position 103, C replaced by T.
Protein change: p.Pro35Ser; replaces proline 35 with serine.
Molecular consequence: missense variant.
Genome position (GRCh38, 1-based): chr3:49,132,637, G>A on the plus strand (C>T on the coding strand, the complement: LAMB2 is on the minus strand). VCF-style: chr3-49132637-G-A. GRCh37 (hg19) VCF-style: chr3-49170070-G-A.
Other names: c.103C>T (NM_002292.3); short protein forms P35S.
Identifiers: ClinVar variation 1984565 (VCV001984565.5), dbSNP rs751853418, ClinGen allele CA2395046.
Genomic context (GRCh38, chr3:49,132,637, plus strand): 5'-GCAGGTCGCCCGTGGCGGGGTAGCAGCTTCCCCTGGAACAGCCAGGCACATCCGGGGCAG[G>A]GGCCTGTGCCAGTGTGGCAGCCAGCACTGGGGACAGTAGCTCAGTCAGTTCCGCTGAGTT-3'
Protein context (NP_002283.3, residues 25-45): SVLAATLAQA[Pro35Ser]APDVPGCSRG

ClinVar aggregate classification (germline): Uncertain significance. Review status: criteria provided, multiple submitters, no conflicts (2 of 4 stars). 2 submissions from 2 submitters: Uncertain significance (2). Last evaluated 2024-12-10.

Conditions:
Inborn genetic diseases. Identifiers: MedGen C0950123, MeSH D030342.
Pierson syndrome. Also called: MICROCORIA-CONGENITAL NEPHROTIC SYNDROME. Identifiers: Orphanet 2670, MedGen C1836876, MONDO:0012184, OMIM 609049.
LAMB2-related infantile-onset nephrotic syndrome. Also called: Nephrotic Syndrome, type 5; NEPHROTIC SYNDROME, TYPE 5, WITHOUT OCULAR ABNORMALITIES; NEPHROTIC SYNDROME, TYPE 5, WITH OCULAR ABNORMALITIES. Identifiers: Orphanet 306507, MedGen C3280113, MONDO:0013621, OMIM 614199.

Allele frequency attached by ClinVar (database versions not stated): gnomAD exomes 0.00001; TOPMed 0.00001; ExAC 0.00002; gnomAD 0.00002.
gnomAD v4.1: 25 of 1,613,962 alleles (0.0015%); highest among the groups gnomAD compares: East Asian, 0.0022%; no homozygotes.

Submissions (2):

Ambry Genetics
Classification: Uncertain significance for Inborn genetic diseases. Last evaluated: 2024-12-10. Review status: criteria provided, single submitter. Criteria: Ambry Variant Classification Scheme 2023. Collection method: clinical testing. Allele origin: germline.

Labcorp Genetics (formerly Invitae), Labcorp
Classification: Uncertain significance for LAMB2-related infantile-onset nephrotic syndrome; Pierson syndrome. Last evaluated: 2022-06-29. Review status: criteria provided, single submitter. Criteria: Invitae Variant Classification Sherloc (09022015). Collection method: clinical testing. Allele origin: germline.
Comment: This variant is present in population databases (rs751853418, gnomAD 0.007%). This sequence change replaces proline, which is neutral and non-polar, with serine, which is neutral and polar, at codon 35 of the LAMB2 protein (p.Pro35Ser). This variant has not been reported in the literature in individuals affected with LAMB2-related conditions. In summary, the available evidence is currently insufficient to determine the role of this variant in disease. Therefore, it has been classified as a Variant of Uncertain Significance. Algorithms developed to predict the effect of missense changes on protein structure and function (SIFT, PolyPhen-2, Align-GVGD) all suggest that this variant is likely to be tolerated.